The following is an entry in ClinVar:

NM_003055.3(SLC18A3):c.866C>T (p.Pro289Leu)

Genes: CHAT (choline O-acetyltransferase; plus strand), SLC18A3 (solute carrier family 18 member A3; plus strand). Cytogenetic location: 10q11.23.
Variant type: single nucleotide variant.
Coding change: c.866C>T on transcript NM_003055.3 (MANE Select); coding-DNA position 866, C replaced by T.
Protein change: p.Pro289Leu; replaces proline 289 with leucine.
Molecular consequence: missense variant. On other transcripts: intron variant (1).
Genome position (GRCh38, 1-based): chr10:49,611,606, C>T. VCF-style: chr10-49611606-C-T. GRCh37 (hg19) VCF-style: chr10-50819652-C-T.
Other names: c.-69+2407C>T (NM_020984.4); short protein forms P289L.
Identifiers: ClinVar variation 2051278 (VCV002051278.4), dbSNP rs2132687513, ClinGen allele CA376721067.

ClinVar aggregate classification (germline): Uncertain significance (1 of 4 stars; one submission).

Submission:

Labcorp Genetics (formerly Invitae), Labcorp
Classification: Uncertain significance. Last evaluated: 2021-12-21. Review status: criteria provided, single submitter. Criteria: Invitae Variant Classification Sherloc (09022015). Collection method: clinical testing. Allele origin: germline.
Comment: This variant is not present in population databases (gnomAD no frequency). This variant has not been reported in the literature in individuals affected with SLC18A3-related conditions. Algorithms developed to predict the effect of missense changes on protein structure and function (SIFT, PolyPhen-2, Align-GVGD) all suggest that this variant is likely to be disruptive. In summary, the available evidence is currently insufficient to determine the role of this variant in disease. Therefore, it has been classified as a Variant of Uncertain Significance. This sequence change replaces proline, which is neutral and non-polar, with leucine, which is neutral and non-polar, at codon 289 of the SLC18A3 protein (p.Pro289Leu).